The following is an entry in ClinVar:

NM_000179.3(MSH6):c.2852T>C (p.Leu951Pro)

Gene: MSH6 (mutS homolog 6; plus strand). Cytogenetic location: 2p16.3.
Variant type: single nucleotide variant.
Coding change: c.2852T>C on transcript NM_000179.3 (MANE Select); coding-DNA position 2852, T replaced by C.
Protein change: p.Leu951Pro; replaces leucine 951 with proline.
Molecular consequence: missense variant. On other transcripts: non-coding transcript variant (5), intron variant (2).
Genome position (GRCh38, 1-based): chr2:47,800,835, T>C. VCF-style: chr2-47800835-T-C. GRCh37 (hg19) VCF-style: chr2-48027974-T-C.
Other names: c.2852T>C, p.Leu951Pro (NM_001406808.1, NM_001406809.1, NM_001406796.1 and 2 more transcripts); c.1946T>C, p.Leu649Pro (NM_001406811.1, NM_001406812.1, NM_001406814.1 and 6 more transcripts); c.2858T>C, p.Leu953Pro (NM_001406813.1); c.2555T>C, p.Leu852Pro (NM_001406818.1, NM_001406819.1, NM_001406830.1 and 10 more transcripts); c.797T>C, p.Leu266Pro (NM_001407362.1); c.2308+544T>C (NM_001406803.1); c.1606+1246T>C (NM_001406817.1); c.2462T>C, p.Leu821Pro (NM_001281492.2); and 4 more; short protein forms L951P, L983P, L266P, L776P, L821P, L925P, L953P, L649P.
Identifiers: ClinVar variation 5024909 (VCV005024909.1).

ClinVar aggregate classification (germline): Uncertain significance (1 of 4 stars; one submission).

Conditions:
Hereditary cancer-predisposing syndrome. Also called: Neoplastic Syndromes, Hereditary; Tumor predisposition; Hereditary neoplastic syndrome; Hereditary Cancer Syndrome. Identifiers: Orphanet 140162, MedGen C0027672, MeSH D009386, MONDO:0015356.

Submission:

Ambry Genetics
Classification: Uncertain significance for Hereditary cancer-predisposing syndrome. Last evaluated: 2026-07-07. Review status: criteria provided, single submitter. Criteria: Ambry Variant Classification Scheme 2023. Collection method: clinical testing. Allele origin: germline.
Comment: The p.L951P variant (also known as c.2852T>C), located in coding exon 4 of the MSH6 gene, results from a T to C substitution at nucleotide position 2852. The leucine at codon 951 is replaced by proline, an amino acid with similar properties. This amino acid position is conserved. In addition, this alteration is predicted to be deleterious by in silico analysis. Based on the available evidence, the clinical significance of this variant remains unclear.